The following is an entry in ClinVar:

NM_000548.5(TSC2):c.2891A>G (p.Lys964Arg)

Gene: TSC2 (TSC complex subunit 2; plus strand). Cytogenetic location: 16p13.3.
Variant type: single nucleotide variant.
Coding change: c.2891A>G on transcript NM_000548.5 (MANE Select); coding-DNA position 2891, A replaced by G.
Protein change: p.Lys964Arg; replaces lysine 964 with arginine.
Molecular consequence: missense variant. On other transcripts: intron variant (31).
Genome position (GRCh38, 1-based): chr16:2,077,651, A>G. VCF-style: chr16-2077651-A-G. GRCh37 (hg19) VCF-style: chr16-2127652-A-G.
Other names: c.1493+1066A>G (NM_001406692.1, NM_001406691.1, NM_001406697.1 and 5 more transcripts); c.1235+1066A>G (NM_001406698.1); c.2837+1066A>G (NM_021055.3, NM_001370405.1, NM_001363528.2 and 3 more transcripts); c.2825+1066A>G (NM_001406671.1, NM_001406673.1); c.2375+1066A>G (NM_001406681.1); c.2726+1066A>G (NM_001318827.2, NM_001406678.1); c.2237+1066A>G (NM_001406685.1, NM_001318831.2, NM_001406688.1 and 2 more transcripts); c.2780+1066A>G (NM_001406677.1); and 8 more; short protein forms K764R, K964R, K915R, K927R, K516R.
Identifiers: ClinVar variation 4192172 (VCV004192172.1).

ClinVar aggregate classification (germline): Uncertain significance (1 of 4 stars; one submission).

Conditions:
Hereditary cancer-predisposing syndrome. Also called: Neoplastic Syndromes, Hereditary; Tumor predisposition; Hereditary Cancer Syndrome; Hereditary neoplastic syndrome. Identifiers: Orphanet 140162, MedGen C0027672, MeSH D009386, MONDO:0015356.

Submission:

Ambry Genetics
Classification: Uncertain significance for Hereditary cancer-predisposing syndrome. Last evaluated: 2025-08-03. Review status: criteria provided, single submitter. Criteria: Ambry Variant Classification Scheme 2023. Collection method: clinical testing. Allele origin: germline.
Comment: The p.K964R variant (also known as c.2891A>G), located in coding exon 25 of the TSC2 gene, results from an A to G substitution at nucleotide position 2891. The lysine at codon 964 is replaced by arginine, an amino acid with highly similar properties. This amino acid position is conserved. In addition, the in silico prediction for this alteration is inconclusive. Based on the available evidence, the clinical significance of this variant remains unclear.